The following is an entry in ClinVar:

ClinVar aggregate classification (germline): Uncertain significance (1 of 4 stars; one submission).

Conditions:
Cardiovascular phenotype. Identifiers: MedGen CN230736.

Submission:

Ambry Genetics
Classification: Uncertain significance for Cardiovascular phenotype. Last evaluated: 2024-12-29. Review status: criteria provided, single submitter. Criteria: Ambry Variant Classification Scheme 2023. Collection method: clinical testing. Allele origin: germline.
Comment: The p.V559I variant (also known as c.1675G>A), located in coding exon 17 of the EYA4 gene, results from a G to A substitution at nucleotide position 1675. The valine at codon 559 is replaced by isoleucine, an amino acid with highly similar properties. This amino acid position is conserved. In addition, the in silico prediction for this alteration is inconclusive. Based on the available evidence, the clinical significance of this variant remains unclear.

NM_004100.5(EYA4):c.1675G>A (p.Val559Ile)

Genes: EYA4 (EYA transcriptional coactivator and phosphatase 4; plus strand), TARID (TCF21 antisense RNA inducing promoter demethylation; minus strand). Cytogenetic location: 6q23.2.
Variant type: single nucleotide variant.
Coding change: c.1675G>A on transcript NM_004100.5 (MANE Select); coding-DNA position 1675, G replaced by A.
Protein change: p.Val559Ile; replaces valine 559 with isoleucine.
Molecular consequence: missense variant.
Genome position (GRCh38, 1-based): chr6:133,523,114, G>A. VCF-style: chr6-133523114-G-A. GRCh37 (hg19) VCF-style: chr6-133844252-G-A.
Other names: c.1513G>A, p.Val505Ile (NM_001301012.2); c.1693G>A, p.Val565Ile (NM_001301013.2); c.1606G>A, p.Val536Ile (NM_001370458.1, NM_172103.4); c.1531G>A, p.Val511Ile (NM_001370459.1); c.1675G>A, p.Val559Ile (NM_172105.4); short protein forms V505I, V536I, V565I, V511I, V559I.
Identifiers: ClinVar variation 3846932 (VCV003846932.1).
Genomic context (GRCh38, chr6:133,523,114, plus strand): 5'-AGGAGTAACTGCATAAATGTCTTGGTAACGACAACTCAACTGATCCCAGCACTTGCGAAG[G>A]TTCTACTCTATAGTTTAGGAGGTGCTTTCCCCATTGAGAATATTTACAGTGCAACTAAAA-3'
Protein context (NP_004091.3, residues 549-569): TTQLIPALAK[Val559Ile]LLYSLGGAFP